The following is an entry in ClinVar:

ClinVar aggregate classification (germline): Uncertain significance (1 of 4 stars; one submission).

Submission:

Illumina Laboratory Services, Illumina
Classification: Uncertain significance. Last evaluated: 2016-04-14. Review status: criteria provided, single submitter. Criteria: ICSLVariantClassificationCriteria RUGD 01 April 2020. Collection method: clinical testing. Allele origin: unknown.
Comment: The CNTNAP5 c.938C>G (p.Pro313Arg) variant is a missense variant. A literature search was performed for the gene, cDNA change, and amino acid change. No publications were found based on this search. This variant is not found in the Genome Aggregation Database despite its location in a region of good sequencing coverage, which suggests the variant is rare. Based on the available information, the p.Pro313Arg variant is classified as a variant of uncertain significance.

NM_001367498.1(CNTNAP5):c.938C>G (p.Pro313Arg)

Gene: CNTNAP5 (contactin associated protein family member 5; plus strand). Cytogenetic location: 2q14.3.
Variant type: single nucleotide variant.
Coding change: c.938C>G on transcript NM_001367498.1 (MANE Select); coding-DNA position 938, C replaced by G.
Protein change: p.Pro313Arg; replaces proline 313 with arginine.
Molecular consequence: missense variant.
Genome position (GRCh38, 1-based): chr2:124,474,758, C>G. VCF-style: chr2-124474758-C-G. GRCh37 (hg19) VCF-style: chr2-125232335-C-G.
Other names: c.938C>G, p.Pro313Arg (NM_130773.4); short protein forms P313R.
Identifiers: ClinVar variation 1299455 (VCV001299455.4), dbSNP rs2104833673, ClinGen allele CA348203246.